The following is an entry in ClinVar:

ClinVar aggregate classification (germline): Uncertain significance (1 of 4 stars; one submission).

Submission:

Ambry Genetics
Classification: Uncertain significance. Last evaluated: 2022-07-06. Review status: criteria provided, single submitter. Criteria: Ambry Variant Classification Scheme 2023. Collection method: clinical testing. Allele origin: germline.
Comment: The p.A1219T variant (also known as c.3655G>A), located in coding exon 23 of the MYOM1 gene, results from a G to A substitution at nucleotide position 3655. The alanine at codon 1219 is replaced by threonine, an amino acid with similar properties. This amino acid position is conserved. In addition, this alteration is predicted to be tolerated by in silico analysis. Since supporting evidence is limited at this time, the clinical significance of this alteration remains unclear.

NM_003803.4(MYOM1):c.3655G>A (p.Ala1219Thr)

Gene: MYOM1 (myomesin 1; minus strand). Cytogenetic location: 18p11.31.
Variant type: single nucleotide variant.
Coding change: c.3655G>A on transcript NM_003803.4 (MANE Select); coding-DNA position 3655, G replaced by A.
Protein change: p.Ala1219Thr; replaces alanine 1219 with threonine.
Molecular consequence: missense variant.
Genome position (GRCh38, 1-based): chr18:3,100,347, C>T on the plus strand (G>A on the coding strand, the complement: MYOM1 is on the minus strand). VCF-style: chr18-3100347-C-T. GRCh37 (hg19) VCF-style: chr18-3100345-C-T.
Other names: c.3367G>A, p.Ala1123Thr (NM_019856.2); short protein forms A1123T, A1219T.
Identifiers: ClinVar variation 1733626 (VCV001733626.2), dbSNP rs1294388277, ClinGen allele CA401702077.